The following is an entry in ClinVar:

NM_001353921.2(ARHGEF9):c.1021C>T (p.Arg341Cys)

Gene: ARHGEF9 (Cdc42 guanine nucleotide exchange factor 9; minus strand). Cytogenetic location: Xq11.1.
Variant type: single nucleotide variant.
Coding change: c.1021C>T on transcript NM_001353921.2 (MANE Select); coding-DNA position 1021, C replaced by T.
Protein change: p.Arg341Cys; replaces arginine 341 with cysteine.
Molecular consequence: missense variant. On other transcripts: intron variant (5).
Genome position (GRCh38, 1-based): chrX:63,665,942, G>A on the plus strand (C>T on the coding strand, the complement: ARHGEF9 is on the minus strand). VCF-style: chrX-63665942-G-A. GRCh37 (hg19) VCF-style: chrX-62885822-G-A.
Other names: c.841C>T, p.Arg281Cys (NM_001173479.2); c.694C>T, p.Arg232Cys (NM_001173480.2, NM_001369042.1); c.937C>T, p.Arg313Cys (NM_001330495.2, NM_001369033.1, NM_001369034.1 and 6 more transcripts); c.1039C>T, p.Arg347Cys (NM_001353923.1); c.820C>T, p.Arg274Cys (NM_001353924.2, NM_001353926.2, NM_001369039.1 and 1 more transcripts); c.1000C>T, p.Arg334Cys (NM_001369030.1, NM_001369031.1, NM_001369032.1 and 1 more transcripts); c.945+8096C>T (NM_001353922.2); c.861+8096C>T (NM_001369041.1, NM_001353927.2); and 2 more; short protein forms R232C, R274C, R281C, R313C, R334C, R341C, R347C.
Identifiers: ClinVar variation 3256626 (VCV003256626.3).
Genomic context (GRCh38, chrX:63,665,942, plus strand): 5'-TTACCTTCTTGCAGAGGACCATCTGGTGGTCAAACAGGAAGAAGACCCGCTGCTGGTTGC[G>A]GCCGTAGGGCTGGTAGATCCAGGCCATCTCCCCAGTGTAGATCAGCTCCGAGCTCCTGTC-3'
Protein context (NP_001340850.1, residues 331-351): EMAWIYQPYG[Arg341Cys]NQQRVFFLFD

ClinVar aggregate classification (germline): Uncertain significance. Review status: criteria provided, multiple submitters, no conflicts (2 of 4 stars). 2 submissions from 2 submitters: Uncertain significance (2). Last evaluated 2024-10-24.

Conditions:
Developmental and epileptic encephalopathy, 8 (DEE8). Also called: HYPEREKPLEXIA AND EPILEPSY. Identifiers: Orphanet 163985, Orphanet 2076, MedGen C1845102, MONDO:0010375, OMIM 300607.

Submissions (2):

Labcorp Genetics (formerly Invitae), Labcorp
Classification: Uncertain significance for Developmental and epileptic encephalopathy, 8. Last evaluated: 2024-10-24. Review status: criteria provided, single submitter. Criteria: Invitae Variant Classification Sherloc (09022015). Collection method: clinical testing. Allele origin: germline.
Comment: This sequence change replaces arginine, which is basic and polar, with cysteine, which is neutral and slightly polar, at codon 334 of the ARHGEF9 protein (p.Arg334Cys). This variant is not present in population databases (gnomAD no frequency). This variant has not been reported in the literature in individuals affected with ARHGEF9-related conditions. Invitae Evidence Modeling of protein sequence and biophysical properties (such as structural, functional, and spatial information, amino acid conservation, physicochemical variation, residue mobility, and thermodynamic stability) indicates that this missense variant is not expected to disrupt ARHGEF9 protein function with a negative predictive value of 95%. In summary, the available evidence is currently insufficient to determine the role of this variant in disease. Therefore, it has been classified as a Variant of Uncertain Significance.

MVZ Medizinische Genetik Mainz
Classification: Uncertain significance for Developmental and epileptic encephalopathy, 8. Last evaluated: 2024-03-19. Review status: criteria provided, single submitter. Criteria: UK Practice Guidelines For Variant Classification V4 01 2020. Collection method: clinical testing. Allele origin: germline. Inheritance: X-linked recessive inheritance. Affected: yes. Observed: 1 variant allele.
Comment: ACMG Criteria: PP3_MOD,PM1_SUP,PM2_SUP